The following is an entry in ClinVar:

ClinVar aggregate classification (germline): Uncertain significance (1 of 4 stars; one submission).

Conditions:
Primary dilated cardiomyopathy (DCM). Also called: Dilated Cardiomyopathy. Identifiers: Orphanet 217604, MedGen C0007193, MeSH D002311, MONDO:0005021, HP:0001644. Inheritance: Various modes of inheritance.

Allele frequency attached by ClinVar (database versions not stated): ExAC 0.00001; gnomAD exomes 0.00001.
gnomAD v4.1: 7 of 1,608,812 alleles (0.00044%); highest among the groups gnomAD compares: Non-Finnish European, 0.0006%; no homozygotes.

Submission:

Labcorp Genetics (formerly Invitae), Labcorp
Classification: Uncertain significance for Primary dilated cardiomyopathy. Last evaluated: 2022-07-21. Review status: criteria provided, single submitter. Criteria: Invitae Variant Classification Sherloc (09022015). Collection method: clinical testing. Allele origin: germline.
Comment: This variant is present in population databases (rs747461565, gnomAD 0.002%). This sequence change affects an acceptor splice site in intron 24 of the NEBL gene. It is expected to disrupt RNA splicing. Variants that disrupt the donor or acceptor splice site typically lead to a loss of protein function (PMID: 16199547), however the current clinical and genetic evidence is not sufficient to establish whether loss-of-function variants in NEBL cause disease. This variant has not been reported in the literature in individuals affected with NEBL-related conditions. Algorithms developed to predict the effect of sequence changes on RNA splicing suggest that this variant may disrupt the consensus splice site. In summary, the available evidence is currently insufficient to determine the role of this variant in disease. Therefore, it has been classified as a Variant of Uncertain Significance.

Literature cited by the submitters: PubMed 16199547.

NM_006393.3(NEBL):c.2519-2A>G

Gene: NEBL (nebulette; minus strand). Cytogenetic location: 10p12.31.
Variant type: single nucleotide variant.
Coding change: c.2519-2A>G on transcript NM_006393.3 (MANE Select); the canonical splice acceptor site of the intron before coding-DNA position 2519, A replaced by G.
Molecular consequence: splice acceptor variant. On other transcripts: intron variant (8).
Genome position (GRCh38, 1-based): chr10:20,809,900, T>C on the plus strand (A>G on the coding strand, the complement: NEBL is on the minus strand). VCF-style: chr10-20809900-T-C. GRCh37 (hg19) VCF-style: chr10-21098829-T-C.
Other names: c.421+2869A>G (NM_001377326.1, NM_001377327.1, NM_001377328.1); c.529+2869A>G (NM_213569.2, NM_001173484.2); c.530-2A>G (NM_001377322.1); c.472+2869A>G (NM_001377324.1); c.463+2869A>G (NM_001377325.1); c.481+2869A>G (NM_001377323.1).
Identifiers: ClinVar variation 2146200 (VCV002146200.4), dbSNP rs747461565, ClinGen allele CA5432427.